The following is an entry in ClinVar:

NM_001267550.2(TTN):c.20869A>T (p.Met6957Leu)

Genes: TTN (titin; minus strand), LOC126806428 (BRD4-independent group 4 enhancer GRCh37_chr2:179588362-179589561; plus strand). Cytogenetic location: 2q31.2.
Variant type: single nucleotide variant.
Coding change: c.20869A>T on transcript NM_001267550.2 (MANE Select); coding-DNA position 20869, A replaced by T.
Protein change: p.Met6957Leu; replaces methionine 6957 with leucine.
Molecular consequence: missense variant. On other transcripts: intron variant (3).
Genome position (GRCh38, 1-based): chr2:178,724,506, T>A on the plus strand (A>T on the coding strand, the complement: TTN is on the minus strand). VCF-style: chr2-178724506-T-A. GRCh37 (hg19) VCF-style: chr2-179589233-T-A.
Other names: p.M6640L:ATG>TTG; p.Met5713Leu; c.19918A>T, p.Met6640Leu (NM_001256850.1); c.17137A>T, p.Met5713Leu (NM_133378.4); c.13282+13576A>T (NM_003319.4); c.13858+13576A>T (NM_133437.4); c.13657+13576A>T (NM_133432.3); short protein forms M6640L, M6957L, M5713L.
Identifiers: ClinVar variation 203292 (VCV000203292.7), dbSNP rs375262781, ClinGen allele CA311942.

ClinVar aggregate classification (germline): Uncertain significance. Review status: criteria provided, multiple submitters, no conflicts (2 of 4 stars). 5 submissions from 5 submitters: Uncertain significance (5). Last evaluated 2026-08-06.

Conditions:
TTN-related disorder. Also called: TTN-related condition; TTN-related disease; TTN-related disorders.
Dilated cardiomyopathy 1G (CMD1G). Identifiers: Orphanet 154, MedGen C1858763, MONDO:0011400, OMIM 604145.
Autosomal recessive limb-girdle muscular dystrophy type 2J (LGMDR10). Also called: Limb-girdle muscular dystrophy, type 2J; MUSCULAR DYSTROPHY, LIMB-GIRDLE, AUTOSOMAL RECESSIVE 10. Identifiers: Orphanet 140922, MedGen C1837342, MONDO:0012127, OMIM 608807.
Early-onset myopathy with fatal cardiomyopathy (CMYO5). Also called: Salih Myopathy; CONGENITAL MYOPATHY 5 WITH CARDIOMYOPATHY. Identifiers: Orphanet 289377, MedGen C2673677, MONDO:0012714, OMIM 611705. Disease mechanism: loss of function.
Tibial muscular dystrophy (TMD). Also called: Tibial muscular dystrophy, tardive; Udd Distal Myopathy – Tibial Muscular Dystrophy; UDD MYOPATHY. Identifiers: Orphanet 609, MedGen C1838244, MONDO:0010870, OMIM 600334.
Myopathy, myofibrillar, 9, with early respiratory failure (MFM9). Also called: Myopathy, distal, with early respiratory failure, autosomal dominant; MYOPATHY, PROXIMAL, WITH EARLY RESPIRATORY MUSCLE INVOLVEMENT; Hereditary myopathy with early respiratory failure; EDSTROM MYOPATHY. Identifiers: Orphanet 178464, Orphanet 34521, MedGen C1863599, MONDO:0011362, OMIM 603689.
Hypertrophic cardiomyopathy 9. Also called: Familial hypertrophic cardiomyopathy 9. Identifiers: MedGen C1861065, MONDO:0013412, OMIM 613765.

Allele frequency attached by ClinVar (database versions not stated): gnomAD 0.00001; gnomAD exomes 0.00002 and 0.00003; TOPMed 0.00002; ExAC 0.00003; ESP Exome Variant Server 0.00008.
gnomAD v4.1: 48 of 1,606,452 alleles (0.003%); highest among the groups gnomAD compares: Non-Finnish European, 0.0039%; no homozygotes.

Submissions (5):

PreventionGenetics, part of Exact Sciences
Classification: Uncertain significance for TTN-related condition. Last evaluated: 2026-08-06. Review status: criteria provided, single submitter. Criteria: ACMG Guidelines, 2015. Collection method: clinical testing. Allele origin: germline.
Comment: The TTN c.20869A>T variant is predicted to result in the amino acid substitution p.Met6957Leu. To our knowledge, this variant has not been reported in the literature. This variant is reported in 0.0039% of alleles in individuals of European (Non-Finnish) descent in gnomAD. At this time, the clinical significance of this variant is uncertain due to the absence of conclusive functional and genetic evidence.

Mayo Clinic Laboratories, Mayo Clinic
Classification: Uncertain significance. Last evaluated: 2025-05-15. Review status: criteria provided, single submitter. Criteria: ACMG Guidelines, 2015. Collection method: clinical testing. Allele origin: germline. Observed: 1 variant allele.
Comment: BP4

Fulgent Genetics
Classification: Uncertain significance for Tibial muscular dystrophy; Myopathy, myofibrillar, 9, with early respiratory failure; Dilated cardiomyopathy 1G; Autosomal recessive limb-girdle muscular dystrophy type 2J; Early-onset myopathy with fatal cardiomyopathy; Hypertrophic cardiomyopathy 9. Last evaluated: 2021-09-30. Review status: criteria provided, single submitter. Criteria: ACMG Guidelines, 2015. Collection method: clinical testing. Allele origin: unknown.

Labcorp Genetics (formerly Invitae), Labcorp
Classification: Uncertain significance for Dilated cardiomyopathy 1G; Autosomal recessive limb-girdle muscular dystrophy type 2J. Last evaluated: 2017-03-06. Review status: criteria provided, single submitter. Criteria: Invitae Variant Classification Sherloc (09022015). Collection method: clinical testing. Allele origin: germline.

GeneDx
Classification: Uncertain significance. Last evaluated: 2013-06-04. Review status: criteria provided, single submitter. Criteria: GeneDx Variant Classification (06012015). Collection method: clinical testing. Allele origin: germline. Affected: yes.
Comment: Missense variants in the TTN gene are considered 'unclassified' if they are not previously reported in the literature and do not have >1% frequency in the population to be considered a polymorphism. Research indicates that truncating mutations in the TTN gene are expected to account for approximately 25% of familial and 18% of sporadic idiopathic DCM; however, truncating variants in the TTN gene have been reported in approximately 3% of reported control alleles. There has been little investigation into non-truncating variants. (Herman D et al. Truncations of titin causing dilated cardiomyopathy. N Eng J Med 366:619-628, 2012) The variant is found in DCM panel(s).